The following is an entry in ClinVar:

ClinVar aggregate classification (germline): Uncertain significance (1 of 4 stars; one submission).

Submission:

Labcorp Genetics (formerly Invitae), Labcorp
Classification: Uncertain significance. Last evaluated: 2022-01-07. Review status: criteria provided, single submitter. Criteria: Invitae Variant Classification Sherloc (09022015). Collection method: clinical testing. Allele origin: germline.
Comment: Algorithms developed to predict the effect of missense changes on protein structure and function (SIFT, PolyPhen-2, Align-GVGD) all suggest that this variant is likely to be tolerated. In summary, the available evidence is currently insufficient to determine the role of this variant in disease. Therefore, it has been classified as a Variant of Uncertain Significance. This variant has not been reported in the literature in individuals affected with LAMB3-related conditions. This variant is not present in population databases (gnomAD no frequency). This sequence change replaces leucine, which is neutral and non-polar, with serine, which is neutral and polar, at codon 676 of the LAMB3 protein (p.Leu676Ser).

NM_000228.3(LAMB3):c.2027T>C (p.Leu676Ser)

Gene: LAMB3 (laminin subunit beta 3; minus strand). Cytogenetic location: 1q32.2.
Variant type: single nucleotide variant.
Coding change: c.2027T>C on transcript NM_000228.3 (MANE Select); coding-DNA position 2027, T replaced by C.
Protein change: p.Leu676Ser; replaces leucine 676 with serine.
Molecular consequence: missense variant.
Genome position (GRCh38, 1-based): chr1:209,623,950, A>G on the plus strand (T>C on the coding strand, the complement: LAMB3 is on the minus strand). VCF-style: chr1-209623950-A-G. GRCh37 (hg19) VCF-style: chr1-209797295-A-G.
Other names: c.2027T>C, p.Leu676Ser (NM_001017402.2, NM_001127641.1); short protein forms L676S.
Identifiers: ClinVar variation 1478059 (VCV001478059.6), dbSNP rs1666321265, ClinGen allele CA344588897.